The following is an entry in ClinVar:

ClinVar aggregate classification (germline): Uncertain significance (1 of 4 stars; one submission).

Allele frequency attached by ClinVar (database versions not stated): gnomAD exomes below 0.00001.
gnomAD v4.1: 1 of 1,595,212 alleles (0.000063%); highest among the groups gnomAD compares: Admixed American, 0.0017%; no homozygotes.

Submission:

Labcorp Genetics (formerly Invitae), Labcorp
Classification: Uncertain significance. Last evaluated: 2024-02-17. Review status: criteria provided, single submitter. Criteria: Invitae Variant Classification Sherloc (09022015). Collection method: clinical testing. Allele origin: germline.
Comment: This sequence change replaces proline, which is neutral and non-polar, with leucine, which is neutral and non-polar, at codon 1501 of the C5 protein (p.Pro1501Leu). This variant is not present in population databases (gnomAD no frequency). This variant has not been reported in the literature in individuals affected with C5-related conditions. ClinVar contains an entry for this variant (Variation ID: 1481684). An algorithm developed to predict the effect of missense changes on protein structure and function (PolyPhen-2) suggests that this variant is likely to be disruptive. Algorithms developed to predict the effect of sequence changes on RNA splicing suggest that this variant may disrupt the consensus splice site. In summary, the available evidence is currently insufficient to determine the role of this variant in disease. Therefore, it has been classified as a Variant of Uncertain Significance.

NM_001735.3(C5):c.4502C>T (p.Pro1501Leu)

Gene: C5 (complement C5; minus strand). Cytogenetic location: 9q33.2.
Variant type: single nucleotide variant.
Coding change: c.4502C>T on transcript NM_001735.3 (MANE Select); coding-DNA position 4502, C replaced by T.
Protein change: p.Pro1501Leu; replaces proline 1501 with leucine.
Molecular consequence: missense variant.
Genome position (GRCh38, 1-based): chr9:120,962,673, G>A on the plus strand (C>T on the coding strand, the complement: C5 is on the minus strand). VCF-style: chr9-120962673-G-A. GRCh37 (hg19) VCF-style: chr9-123724951-G-A.
Other names: c.4520C>T, p.Pro1507Leu (NM_001317163.2); short protein forms P1501L, P1507L.
Identifiers: ClinVar variation 1481684 (VCV001481684.7), dbSNP rs2131669492, ClinGen allele CA374745961.
Genomic context (GRCh38, chr9:120,962,673, plus strand): 5'-TGTTCTGGAAAGAATACAAAGTATTCTTCTGAAGAAATGTTAGCATGGAGTTGATTACCT[G>A]GTCTGTGGTATTCGTACACTGTGAAAGTGGCAGGACTGAGAAACCCAACTTCAAAGAGTT-3'
Protein context (NP_001726.2, residues 1491-1511): ATFTVYEYHR[Pro1501Leu]DKQCTMFYST